The following is an entry in ClinVar:

ClinVar aggregate classification (germline): Uncertain significance (1 of 4 stars; one submission).

Conditions:
Hereditary cancer-predisposing syndrome. Also called: Hereditary Cancer Syndrome; Hereditary neoplastic syndrome; Neoplastic Syndromes, Hereditary; Tumor predisposition. Identifiers: Orphanet 140162, MedGen C0027672, MeSH D009386, MONDO:0015356.

Submission:

Ambry Genetics
Classification: Uncertain significance for Hereditary cancer-predisposing syndrome. Last evaluated: 2025-08-09. Review status: criteria provided, single submitter. Criteria: Ambry Variant Classification Scheme 2023. Collection method: clinical testing. Allele origin: germline.
Comment: The p.S1096Y variant (also known as c.3287C>A), located in coding exon 28 of the EGFR gene, results from a C to A substitution at nucleotide position 3287. The serine at codon 1096 is replaced by tyrosine, an amino acid with dissimilar properties. This amino acid position is conserved. In addition, this alteration is predicted to be tolerated by in silico analysis. Based on the available evidence, the clinical significance of this variant remains unclear.

NM_005228.5(EGFR):c.3287C>A (p.Ser1096Tyr)

Gene: EGFR (epidermal growth factor receptor; plus strand). Cytogenetic location: 7p11.2.
Variant type: single nucleotide variant.
Coding change: c.3287C>A on transcript NM_005228.5 (MANE Select); coding-DNA position 3287, C replaced by A.
Protein change: p.Ser1096Tyr; replaces serine 1096 with tyrosine.
Molecular consequence: missense variant.
Genome position (GRCh38, 1-based): chr7:55,205,271, C>A. VCF-style: chr7-55205271-C-A. GRCh37 (hg19) VCF-style: chr7-55272964-C-A.
Other names: c.2486C>A, p.Ser829Tyr (NM_001346941.2); c.3152C>A, p.Ser1051Tyr (NM_001346899.2); c.3128C>A, p.Ser1043Tyr (NM_001346900.2); short protein forms S1043Y, S1051Y, S1096Y, S829Y.
Identifiers: ClinVar variation 4247341 (VCV004247341.1).
Genomic context (GRCh38, chr7:55,205,271, plus strand): 5'-GGTGCTTTGCTGATTACTTCACCTCTGATTTCTTTCCACTTTCAGAATACATAAACCAGT[C>A]CGTTCCCAAAAGGCCCGCTGGCTCTGTGCAGAATCCTGTCTATCACAATCAGCCTCTGAA-3'
Protein context (NP_005219.2, residues 1086-1106): FLPVPEYINQ[Ser1096Tyr]VPKRPAGSVQ